The following is an entry in ClinVar:

ClinVar aggregate classification (germline): Uncertain significance (1 of 4 stars; one submission).

Conditions:
Hereditary cancer-predisposing syndrome. Also called: Neoplastic Syndromes, Hereditary; Tumor predisposition; Hereditary Cancer Syndrome; Hereditary neoplastic syndrome. Identifiers: Orphanet 140162, MedGen C0027672, MeSH D009386, MONDO:0015356.

Submission:

Ambry Genetics
Classification: Uncertain significance for Hereditary cancer-predisposing syndrome. Last evaluated: 2026-04-07. Review status: criteria provided, single submitter. Criteria: Ambry Variant Classification Scheme 2023. Collection method: clinical testing. Allele origin: germline.
Comment: The c.2638-5T>C intronic variant results from a T to C substitution 5 nucleotides upstream from coding exon 11 in the MET gene. This nucleotide position is not well conserved in available vertebrate species. In silico splice site analysis predicts that this alteration will not have any significant effect on splicing. Based on the available evidence, the clinical significance of this variant remains unclear.

NM_000245.4(MET):c.2584-5T>C

Gene: MET (MET proto-oncogene, receptor tyrosine kinase; plus strand). Cytogenetic location: 7q31.2.
Variant type: single nucleotide variant.
Coding change: c.2584-5T>C on transcript NM_000245.4 (MANE Select); 5 bases into the intron before coding-DNA position 2584, T replaced by C.
Molecular consequence: intron variant.
Genome position (GRCh38, 1-based): chr7:116,769,640, T>C. VCF-style: chr7-116769640-T-C. GRCh37 (hg19) VCF-style: chr7-116409694-T-C.
Other names: c.2638-5T>C (NM_001127500.3); c.1294-5T>C (NM_001324402.2); c.2584-5T>C (NM_001324401.3).
Identifiers: ClinVar variation 4859958 (VCV004859958.1).